The following is an entry in ClinVar:

NM_001009944.3(PKD1):c.11512C>T (p.Gln3838Ter)

Genes: PKD1 (polycystin 1, transient receptor potential channel interacting; minus strand), PKD1-AS1 (PKD1 antisense RNA 1; plus strand). Cytogenetic location: 16p13.3.
Variant type: single nucleotide variant.
Coding change: c.11512C>T on transcript NM_001009944.3 (MANE Select); coding-DNA position 11512, C replaced by T.
Protein change: p.Gln3838Ter; replaces glutamine 3838 with a stop codon.
Molecular consequence: nonsense.
Genome position (GRCh38, 1-based): chr16:2,091,806, G>A on the plus strand (C>T on the coding strand, the complement: PKD1 is on the minus strand). VCF-style: chr16-2091806-G-A. GRCh37 (hg19) VCF-style: chr16-2141807-G-A.
Other names: c.11509C>T, p.Gln3837Ter (NM_000296.4); short protein forms Q3837*, Q3838*.
Identifiers: ClinVar variation 8199 (VCV000008199.7), dbSNP rs199476096, ClinGen allele CA119370.

ClinVar aggregate classification (germline): Pathogenic. Review status: criteria provided, multiple submitters, no conflicts (2 of 4 stars). 5 submissions from 5 submitters: Pathogenic (4). 1 of the submissions does not count toward it. Last evaluated 2024-12-26.

Conditions:
Polycystic kidney disease, adult type (PKD1). Also called: Polycystic Kidney Disease 1, Autosomal Dominant; Polycystic kidney disease 1; Polycystic kidney disease 1, severe; Polycystic Kidney, Autosomal Dominant; POLYCYSTIC KIDNEY DISEASE, ADULT, TYPE I; POLYCYSTIC KIDNEY DISEASE 1 WITH OR WITHOUT POLYCYSTIC LIVER DISEASE. Identifiers: MedGen C3149841, MONDO:0008263, OMIM 173900.

Submissions (5):

GeneDx
Classification: Pathogenic. Last evaluated: 2024-12-26. Review status: criteria provided, single submitter. Criteria: GeneDx Variant Classification Process June 2021. Collection method: clinical testing. Allele origin: germline. Affected: yes.
Comment: Segregates with disease in affected individuals from a single family in published literature (PMID: 8554072); Nonsense variant predicted to result in protein truncation or nonsense mediated decay in a gene for which loss of function is a known mechanism of disease; Not observed at significant frequency in large population cohorts (gnomAD); This variant is associated with the following publications: (PMID: 25525159, 22008521, 30333007, 36186434, 8554072)

Fulgent Genetics
Classification: Pathogenic for Polycystic kidney disease, adult type. Last evaluated: 2024-02-07. Review status: criteria provided, single submitter. Criteria: ACMG Guidelines, 2015. Collection method: clinical testing. Allele origin: germline.

Victorian Clinical Genetics Services, Murdoch Childrens Research Institute
Classification: Pathogenic for Polycystic kidney disease, adult type. Last evaluated: 2023-07-17. Review status: criteria provided, single submitter. Criteria: ACMG Guidelines, 2015. Collection method: clinical testing. Allele origin: germline. Inheritance: Autosomal dominant inheritance. Affected: yes.
Comment: Based on the classification scheme VCGS_Germline_v1.3.4, this variant is classified as Pathogenic. Following criteria are met: 0102 - Loss of function is a known mechanism of disease in this gene and is associated with polycystic kidney disease 1 (MIM#173900). (I) 0107 - This gene is associated with autosomal dominant disease. Polycystic kidney disease 1 (MIM#173900) is predominantly caused by monoallelic variants, with rare reports of biallelic variants causing disease (OMIM). (I) 0201 - Variant is predicted to cause nonsense-mediated decay (NMD) and loss of protein (premature termination codon is located at least 54 nucleotides upstream of the final exon-exon junction). (SP) 0251 - This variant is heterozygous. (I) 0301 - Variant is absent from gnomAD (both v2 and v3). (SP) 0701 - Other NMD predicted variants comparable to the one identified in this case have very strong previous evidence for pathogenicity (DECIPHER). (SP) 0802 - This variant has moderate previous evidence of pathogenicity in unrelated individuals. This variant has been reported in at least four unrelated individuals with polycystic kidney disease (ClinVar, LOVD). (SP) 0905 - No published segregation evidence has been identified for this variant. (I) 1007 - No published functional evidence has been identified for this variant. (I) 1208 - Inheritance information for this variant is not currently available in this individual. (I) Legend: (SP) - Supporting pathogenic, (I) - Information, (SB) - Supporting benign

Department of Pathology and Laboratory Medicine, Sinai Health System
Classification: Pathogenic for Polycystic kidney disease, adult type. Last evaluated: 2021-12-22. Review status: criteria provided, single submitter. Criteria: ACMG Guidelines, 2015. Collection method: clinical testing. Allele origin: germline. Affected: yes.

OMIM
Classification: Pathogenic for POLYCYSTIC KIDNEY DISEASE 1. Last evaluated: 1996-01-01. Review status: no assertion criteria provided. Collection method: literature only. Allele origin: germline. Not counted in ClinVar's aggregate classification.

Literature cited by the submitters: PubMed 8554072 (cited by OMIM).